The following is an entry in ClinVar:

ClinVar aggregate classification (germline): Conflicting classifications of pathogenicity. Review status: criteria provided, conflicting classifications (1 of 4 stars). 2 submissions from 2 submitters: Likely pathogenic (1); Uncertain significance (1). Last evaluated 2024-02-19.

Conditions:
Hereditary spastic paraplegia 31. Also called: SPASTIC PARAPLEGIA 31, AUTOSOMAL DOMINANT. Identifiers: Orphanet 101011, MedGen C1853247, MONDO:0012453, OMIM 610250.

Submissions (2):

Athena Diagnostics
Classification: Uncertain significance. Last evaluated: 2024-02-19. Review status: criteria provided, single submitter. Criteria: Athena Diagnostics Criteria. Collection method: clinical testing. Allele origin: unknown.
Comment: Available data are insufficient to determine the clinical significance of the variant at this time. This variant has not been reported in large, multi-ethnic general populations. Computational tools predict that this variant is damaging.

Baylor Genetics
Classification: Likely pathogenic for Hereditary spastic paraplegia 31. Last evaluated: 2024-02-05. Review status: criteria provided, single submitter. Criteria: ACMG Guidelines, 2015. Collection method: clinical testing. Allele origin: unknown.

NM_001371279.1(REEP1):c.248G>T (p.Gly83Val)

Gene: REEP1 (receptor accessory protein 1; minus strand). Cytogenetic location: 2p11.2.
Variant type: single nucleotide variant.
Coding change: c.248G>T on transcript NM_001371279.1 (MANE Select); coding-DNA position 248, G replaced by T.
Protein change: p.Gly83Val; replaces glycine 83 with valine.
Molecular consequence: missense variant. On other transcripts: intron variant (1).
Genome position (GRCh38, 1-based): chr2:86,254,749, C>A on the plus strand (G>T on the coding strand, the complement: REEP1 is on the minus strand). VCF-style: chr2-86254749-C-A. GRCh37 (hg19) VCF-style: chr2-86481872-C-A.
Other names: c.269G>T, p.Gly90Val (NM_001164730.2); c.167G>T, p.Gly56Val (NM_001164731.2); c.248G>T, p.Gly83Val (NM_001371280.1, NM_001410855.1, NM_001410856.1 and 1 more transcripts); c.182+9216G>T (NM_001164732.2); short protein forms G56V, G83V, G90V.
Identifiers: ClinVar variation 3237473 (VCV003237473.2), dbSNP rs2468842177.